The following is an entry in ClinVar:

ClinVar aggregate classification (germline): Uncertain significance (1 of 4 stars; one submission).

Submission:

Labcorp Genetics (formerly Invitae), Labcorp
Classification: Uncertain significance. Last evaluated: 2025-02-10. Review status: criteria provided, single submitter. Criteria: Invitae Variant Classification Sherloc (09022015). Collection method: clinical testing. Allele origin: germline.
Comment: This sequence change replaces threonine, which is neutral and polar, with alanine, which is neutral and non-polar, at codon 849 of the IL12RB2 protein (p.Thr849Ala). This variant is not present in population databases (gnomAD no frequency). This variant has not been reported in the literature in individuals affected with IL12RB2-related conditions. ClinVar contains an entry for this variant (Variation ID: 1438149). An algorithm developed to predict the effect of missense changes on protein structure and function (PolyPhen-2) suggests that this variant is likely to be tolerated. In summary, the available evidence is currently insufficient to determine the role of this variant in disease. Therefore, it has been classified as a Variant of Uncertain Significance.

NM_001374259.2(IL12RB2):c.2545A>G (p.Thr849Ala)

Gene: IL12RB2 (interleukin 12 receptor subunit beta 2; plus strand). Cytogenetic location: 1p31.3.
Variant type: single nucleotide variant.
Coding change: c.2545A>G on transcript NM_001374259.2 (MANE Select); coding-DNA position 2545, A replaced by G.
Protein change: p.Thr849Ala; replaces threonine 849 with alanine.
Molecular consequence: missense variant. On other transcripts: 3 prime UTR variant (3), non-coding transcript variant (2).
Genome position (GRCh38, 1-based): chr1:67,396,045, A>G. VCF-style: chr1-67396045-A-G. GRCh37 (hg19) VCF-style: chr1-67861728-A-G.
Other names: c.*465A>G (NM_001258214.1, NM_001319233.1); c.2287A>G, p.Thr763Ala (NM_001258215.1); c.*446A>G (NM_001258216.1); c.2545A>G, p.Thr849Ala (NM_001559.3); short protein forms T763A, T849A.
Identifiers: ClinVar variation 1438149 (VCV001438149.8), dbSNP rs2100362701, ClinGen allele CA340736157.